The following is an entry in ClinVar:

ClinVar aggregate classification (germline): Uncertain significance (1 of 4 stars; one submission).

Submission:

GeneDx
Classification: Uncertain significance. Last evaluated: 2019-06-25. Review status: criteria provided, single submitter. Criteria: GeneDx Variant Classification Process June 2021. Collection method: clinical testing. Allele origin: germline. Affected: yes.
Comment: Has not been previously published as pathogenic or benign to our knowledge; Not observed in large population cohorts (Lek et al., 2016); In silico analysis, which includes protein predictors and evolutionary conservation, supports a deleterious effect; Occurs in the triple helical domain at the X position in the canonical Gly-X-Y repeat; although this variant may have an effect on normal protein folding and function, missense substitution at the X position is not a common mechanism of disease (Symoens et al., 2012; Stenson et al., 2014)

NM_000093.5(COL5A1):c.1949C>G (p.Pro650Arg)

Gene: COL5A1 (collagen type V alpha 1 chain; plus strand). Cytogenetic location: 9q34.3.
Variant type: single nucleotide variant.
Coding change: c.1949C>G on transcript NM_000093.5 (MANE Select); coding-DNA position 1949, C replaced by G.
Protein change: p.Pro650Arg; replaces proline 650 with arginine.
Molecular consequence: missense variant.
Genome position (GRCh38, 1-based): chr9:134,761,938, C>G. VCF-style: chr9-134761938-C-G. GRCh37 (hg19) VCF-style: chr9-137653784-C-G.
Other names: c.1949C>G, p.Pro650Arg (NM_001278074.1); short protein forms P650R.
Identifiers: ClinVar variation 1320825 (VCV001320825.2), dbSNP rs150890005, ClinGen allele CA375445941.
Genomic context (GRCh38, chr9:134,761,938, plus strand): 5'-GCATGACCTGCTCAGGAGAGGCTGACGTTGACCCTTTCACTTCCTAGGGTGACCCTGGTC[C>G]TTCCGGCCCACCAGGACCTCCGGGAGACGATGGAGAAAGGGTAGGTATTCTGCCGTCCCT-3'
Protein context (NP_000084.3, residues 640-660): GEKGHRGDPG[Pro650Arg]SGPPGPPGDD